The following is an entry in ClinVar:

NM_020778.5(ALPK3):c.1765G>A (p.Asp589Asn)

Gene: ALPK3 (alpha kinase 3; plus strand). Cytogenetic location: 15q25.3.
Variant type: single nucleotide variant.
Coding change: c.1765G>A on transcript NM_020778.5 (MANE Select); coding-DNA position 1765, G replaced by A.
Protein change: p.Asp589Asn; replaces aspartic acid 589 with asparagine.
Molecular consequence: missense variant.
Genome position (GRCh38, 1-based): chr15:84,856,503, G>A. VCF-style: chr15-84856503-G-A. GRCh37 (hg19) VCF-style: chr15-85399734-G-A.
Other names: short protein forms D589N.
Identifiers: ClinVar variation 1466579 (VCV001466579.13), dbSNP rs146892833, ClinGen allele CA7709290.

ClinVar aggregate classification (germline): Uncertain significance. Review status: criteria provided, multiple submitters, no conflicts (2 of 4 stars). 5 submissions from 5 submitters: Uncertain significance (5). Last evaluated 2026-08-28.

Conditions:
ALPK3-related disorder. Also called: ALPK3-related condition.
Cardiomyopathy, familial hypertrophic 27. Identifiers: MedGen C4748014, MONDO:0054838, OMIM 618052.
Cardiovascular phenotype. Identifiers: MedGen CN230736.

Allele frequency attached by ClinVar (database versions not stated): gnomAD 0.00001 and 0.00002; gnomAD exomes 0.00002 and 0.00008; ExAC 0.00003; TOPMed 0.00006; ESP Exome Variant Server 0.00008.
gnomAD v4.1: 114 of 1,614,076 alleles (0.0071%); highest among the groups gnomAD compares: Non-Finnish European, 0.0095%; no homozygotes.

Submissions (5):

PreventionGenetics, part of Exact Sciences
Classification: Uncertain significance for ALPK3-related condition. Last evaluated: 2026-08-28. Review status: criteria provided, single submitter. Criteria: ACMG Guidelines, 2015. Collection method: clinical testing. Allele origin: germline.
Comment: The ALPK3 c.2371G>A variant is predicted to result in the amino acid substitution p.Asp791Asn. To our knowledge, this variant has not been reported in the literature. This variant is reported in 0.0039% of alleles in individuals of European (Non-Finnish) descent in gnomAD. At this time, the clinical significance of this variant is uncertain due to the absence of conclusive functional and genetic evidence.

Labcorp Genetics (formerly Invitae), Labcorp
Classification: Uncertain significance. Last evaluated: 2025-12-14. Review status: criteria provided, single submitter. Criteria: Invitae Variant Classification Sherloc (09022015). Collection method: clinical testing. Allele origin: germline.
Comment: This sequence change replaces aspartic acid, which is acidic and polar, with asparagine, which is neutral and polar, at codon 791 of the ALPK3 protein (p.Asp791Asn). This variant is present in population databases (rs146892833, gnomAD 0.005%). This variant has not been reported in the literature in individuals affected with ALPK3-related conditions. ClinVar contains an entry for this variant (Variation ID: 1466579). Invitae Evidence Modeling of protein sequence and biophysical properties (such as structural, functional, and spatial information, amino acid conservation, physicochemical variation, residue mobility, and thermodynamic stability) indicates that this missense variant is expected to disrupt ALPK3 protein function with a positive predictive value of 80%. In summary, the available evidence is currently insufficient to determine the role of this variant in disease. Therefore, it has been classified as a Variant of Uncertain Significance.

Ambry Genetics
Classification: Uncertain significance for Cardiovascular phenotype. Last evaluated: 2023-10-18. Review status: criteria provided, single submitter. Criteria: Ambry Variant Classification Scheme 2023. Collection method: clinical testing. Allele origin: germline.
Comment: The p.D791N variant (also known as c.2371G>A), located in coding exon 6 of the ALPK3 gene, results from a G to A substitution at nucleotide position 2371. The aspartic acid at codon 791 is replaced by asparagine, an amino acid with highly similar properties. This amino acid position is well conserved in available vertebrate species. In addition, this alteration is predicted to be tolerated by in silico analysis. Since supporting evidence is limited at this time, the clinical significance of this alteration remains unclear.

New York Genome Center
Classification: Uncertain significance for Cardiomyopathy, familial hypertrophic 27. Last evaluated: 2023-03-08. Review status: criteria provided, single submitter. Criteria: NYGC Assertion Criteria 2020. Collection method: clinical testing. Allele origin: germline. Observed: 1 heterozygote.

GeneDx
Classification: Uncertain significance. Last evaluated: 2022-10-04. Review status: criteria provided, single submitter. Criteria: GeneDx Variant Classification Process June 2021. Collection method: clinical testing. Allele origin: germline. Affected: yes.
Comment: Not observed at significant frequency in large population cohorts (gnomAD); In silico analysis supports that this missense variant does not alter protein structure/function; Has not been previously published as pathogenic or benign to our knowledge